The following is an entry in ClinVar:

NM_080424.4(SP110):c.895G>A (p.Gly299Arg)

Genes: SP110 (SP110 nuclear body protein; minus strand), SP140 (SP140 nuclear body protein; plus strand). Cytogenetic location: 2q37.1.
Variant type: single nucleotide variant.
Coding change: c.895G>A on transcript NM_080424.4 (MANE Select); coding-DNA position 895, G replaced by A.
Protein change: p.Gly299Arg; replaces glycine 299 with arginine.
Molecular consequence: missense variant.
Genome position (GRCh38, 1-based): chr2:230,207,994, C>T on the plus strand (G>A on the coding strand, the complement: SP110 is on the minus strand). VCF-style: chr2-230207994-C-T. GRCh37 (hg19) VCF-style: chr2-231072709-C-T.
Other names: c.895G>A (NM_004509.4); c.913G>A, p.Gly305Arg (NM_001185015.2, NM_001378442.1, NM_001378444.1 and 2 more transcripts); c.895G>A, p.Gly299Arg (NM_001378443.1, NM_001378447.1, NM_004509.5 and 1 more transcripts); short protein forms G299R, G305R.
Identifiers: ClinVar variation 334909 (VCV000334909.26), dbSNP rs1365776, ClinGen allele CA2154703.
Genomic context (GRCh38, chr2:230,207,994, plus strand): 5'-ACAAGCCCTGCATGAGCTGTTTCCAGCCTCCAGCTTCCTCTTGTACTCTCATCTTACCTC[C>T]TGGGAGGCTTTTTTTCTTATGTCTCCTTTTTGGAGTTGACCAGATACATCTTTTTCTTTT-3'
Protein context (NP_536349.3, residues 289-309): KRRHKKKSLP[Gly299Arg]GTASSRHGIQ

ClinVar aggregate classification (germline): Benign/Likely benign. Review status: criteria provided, multiple submitters, no conflicts (2 of 4 stars). 9 submissions from 9 submitters: Benign (8); Likely benign (1). Last evaluated 2026-02-04.

Conditions:
Hepatic veno-occlusive disease-immunodeficiency syndrome. Also called: Hepatic Veno-Occlusive Disease with Immunodeficiency. Identifiers: Orphanet 79124, MedGen C1856128, MONDO:0009338, OMIM 235550. Disease mechanism: loss of function.

Allele frequency attached by ClinVar (database versions not stated): gnomAD exomes 0.61696 and 0.68687; ESP Exome Variant Server 0.70229; ExAC 0.70872; gnomAD 0.71538 and 0.71603; TOPMed 0.73874; 1000 Genomes Project 0.80252; 1000 Genomes Project 30x 0.80824.
gnomAD v4.1: 952,571 of 1,516,630 alleles (63%); highest among the groups gnomAD compares: African/African-American, 92%; 307,027 homozygotes.

Submissions (9):

Labcorp Genetics (formerly Invitae), Labcorp
Classification: Benign for Hepatic veno-occlusive disease-immunodeficiency syndrome. Last evaluated: 2026-02-04. Review status: criteria provided, single submitter. Criteria: Invitae Variant Classification Sherloc (09022015). Collection method: clinical testing. Allele origin: germline.

Blueprint Genetics
Classification: Likely benign. Last evaluated: 2024-11-26. Review status: criteria provided, single submitter. Criteria: ACMG Guidelines, 2015. Collection method: clinical testing. Allele origin: germline.

Unidad de Genómica Garrahan, Hospital de Pediatría Garrahan
Classification: Benign. Last evaluated: 2024-01-24. Review status: criteria provided, single submitter. Criteria: ACMG Guidelines, 2015. Collection method: clinical testing. Allele origin: germline. Affected: no. Observed: 91 variant alleles.
Comment: This variant is classified as Benign based on local population frequency. This variant was detected in 96% of patients studied by a panel of primary immunodeficiencies. Number of patients: 91. Only high quality variants are reported.

Mayo Clinic Laboratories, Mayo Clinic
Classification: Benign. Last evaluated: 2022-09-06. Review status: criteria provided, single submitter. Criteria: ACMG Guidelines, 2015. Collection method: clinical testing. Allele origin: germline. Observed: 2 variant alleles.

Genome-Nilou Lab
Classification: Benign for Hepatic veno-occlusive disease-immunodeficiency syndrome. Last evaluated: 2021-07-15. Review status: criteria provided, single submitter. Criteria: ACMG Guidelines, 2015. Collection method: clinical testing. Allele origin: germline. Affected: no.

GeneDx
Classification: Benign. Last evaluated: 2019-05-24. Review status: criteria provided, single submitter. Criteria: GeneDx Variant Classification Process June 2021. Collection method: clinical testing. Allele origin: germline. Affected: yes.

Illumina Laboratory Services, Illumina
Classification: Benign for Hepatic veno-occlusive disease-immunodeficiency syndrome. Last evaluated: 2018-01-13. Review status: criteria provided, single submitter. Criteria: ICSL Variant Classification Criteria 13 December 2019. Collection method: clinical testing. Allele origin: germline.
Comment: This variant was observed in the ICSL laboratory as part of a predisposition screen in an ostensibly healthy population. It had not been previously curated by ICSL or reported in the Human Gene Mutation Database (HGMD: prior to June 1st, 2018), and was therefore a candidate for classification through an automated scoring system. Utilizing variant allele frequency, disease prevalence and penetrance estimates, and inheritance mode, an automated score was calculated to assess if this variant is too frequent to cause the disease. Based on the score and internal cut-off values, a variant classified as benign is not then subjected to further curation. The score for this variant resulted in a classification of benign for this disease.

Laboratory for Molecular Medicine, Mass General Brigham Personalized Medicine
Classification: Benign. Last evaluated: 2016-03-29. Review status: criteria provided, single submitter. Criteria: LMM Criteria. Collection method: clinical testing. Allele origin: germline.
Comment: Variant identified in a genome or exome case(s) and assessed due to predicted null impact of the variant or pathogenic assertions in the literature or databases. Disclaimer: This variant has not undergone full assessment. The following are preliminary notes: Frequency

Breakthrough Genomics
Classification: Benign. Review status: criteria provided, single submitter. Criteria: ACMG Guidelines, 2015. Collection method: not provided. Allele origin: germline. Inheritance: Autosomal recessive inheritance. Affected: yes.